The following is an entry in ClinVar:

NM_003000.3(SDHB):c.745T>C (p.Cys249Arg)

Gene: SDHB (succinate dehydrogenase complex iron sulfur subunit B; minus strand). Cytogenetic location: 1p36.13.
Variant type: single nucleotide variant.
Coding change: c.745T>C on transcript NM_003000.3 (MANE Select); coding-DNA position 745, T replaced by C.
Protein change: p.Cys249Arg; replaces cysteine 249 with arginine.
Molecular consequence: missense variant.
Genome position (GRCh38, 1-based): chr1:17,022,628, A>G on the plus strand (T>C on the coding strand, the complement: SDHB is on the minus strand). VCF-style: chr1-17022628-A-G. GRCh37 (hg19) VCF-style: chr1-17349123-A-G.
Other names: short protein forms C249R.
Identifiers: ClinVar variation 420730 (VCV000420730.5), dbSNP rs1064794664, ClinGen allele CA16617021.
Genomic context (GRCh38, chr1:17,022,628, plus strand): 5'-CAGCTCTGAGGCAGAGCTGAGGGTCACCAGCCCCACGTACCTTAGGACAGGTCCTTGTGC[A>G]GTTCATGATGGTGTGGCAGCGGTATAGAGAGAATGGGTCCTGCAGCTTGGCCAGGCGCTC-3'
Protein context (NP_002991.2, residues 239-259): SLYRCHTIMN[Cys249Arg]TRTCPKGLNP

ClinVar aggregate classification (germline): Conflicting classifications of pathogenicity. Review status: criteria provided, conflicting classifications (1 of 4 stars). 3 submissions from 3 submitters: Likely pathogenic (2); Uncertain significance (1). Last evaluated 2026-06-15.

Conditions:
Hereditary cancer-predisposing syndrome. Also called: Neoplastic Syndromes, Hereditary; Hereditary neoplastic syndrome; Hereditary Cancer Syndrome; Tumor predisposition. Identifiers: Orphanet 140162, MedGen C0027672, MeSH D009386, MONDO:0015356.
Hereditary pheochromocytoma and paraganglioma. Also called: Hereditary pheochromocytoma-paraganglioma; Hereditary paragangliomas and pheochromocytomas; Hereditary Paraganglioma-Pheochromocytoma Syndromes. Identifiers: Orphanet 29072, MedGen C4274332, MONDO:0017366.

Submissions (3):

Ambry Genetics
Classification: Likely pathogenic for Hereditary cancer-predisposing syndrome. Last evaluated: 2026-06-15. Review status: criteria provided, single submitter. Criteria: Ambry Variant Classification Scheme 2023. Collection method: clinical testing. Allele origin: germline.
Comment: The p.C249R variant (also known as c.745T>C), located in coding exon 7 of the SDHB gene, results from a T to C substitution at nucleotide position 745. The cysteine at codon 249 is replaced by arginine, an amino acid with highly dissimilar properties. This variant was reported in an individual with features consistent with SDHB-related hereditary pheochromocytoma-paraganglioma (Sarkadi B et al. Cancers (Basel), 2021 Aug;13:). Based on internal structural analysis, this variant is anticipated to result in a decrease in structural stability and is more disruptive than known pathogenic variants in the region (Ambry internal data). Functional studies suggest this variant results in abnormal function; however, the physiological relevance of this finding is unclear (Ashraf N et al. J Coll Physicians Surg Pak, 2026 May;36:674-676). This amino acid position is highly conserved in available vertebrate species. In addition, this alteration is predicted to be deleterious by in silico analysis. This variant is considered to be rare based on population cohorts in the Genome Aggregation Database (gnomAD). Based on the majority of available evidence to date, this variant is likely to be pathogenic.

Color Diagnostics, LLC DBA Color Health
Classification: Uncertain significance for Hereditary pheochromocytoma and paraganglioma. Last evaluated: 2025-06-12. Review status: criteria provided, single submitter. Criteria: ACMG Guidelines, 2015. Collection method: clinical testing. Allele origin: germline.
Comment: This missense variant replaces cysteine with arginine at codon 249 of the SDHB protein. Computational prediction suggests that this variant may have deleterious impact on protein structure and function. To our knowledge, functional studies have not been reported for this variant. This variant has been reported in an individual affected with paraganglioma in the literature (PMID: 34439371). This variant has not been identified in the general population by the Genome Aggregation Database (gnomAD). The available evidence is insufficient to determine the role of this variant in disease conclusively. Therefore, this variant is classified as a Variant of Uncertain Significance.

GeneDx
Classification: Likely pathogenic. Last evaluated: 2023-10-05. Review status: criteria provided, single submitter. Criteria: GeneDx Variant Classification Process June 2021. Collection method: clinical testing. Allele origin: germline. Affected: yes.
Comment: Not observed at significant frequency in large population cohorts (gnomAD); In silico analysis supports that this missense variant has a deleterious effect on protein structure/function; This variant is associated with the following publications: (PMID: 34439371)

Literature cited by the submitters: PubMed 34439371 (cited by Ambry Genetics and Color Diagnostics, LLC DBA Color Health); PubMed 42152211 (cited by Ambry Genetics).